The following is an entry in ClinVar:

ClinVar aggregate classification (germline): Pathogenic (1 of 4 stars; one submission).

Submission:

Athena Diagnostics
Classification: Pathogenic. Last evaluated: 2019-02-18. Review status: criteria provided, single submitter. Criteria: Athena Diagnostics Criteria. Collection method: clinical testing. Allele origin: germline.
Comment: The variant creates a premature nonsense codon, and is therefore predicted to result in the loss of a functional protein. Found in at least one symptomatic patient, and not found in general population data.

NM_182961.4(SYNE1):c.1562C>G (p.Ser521Ter)

Gene: SYNE1 (spectrin repeat containing nuclear envelope protein 1; minus strand). Cytogenetic location: 6q25.2.
Variant type: single nucleotide variant.
Coding change: c.1562C>G on transcript NM_182961.4 (MANE Select); coding-DNA position 1562, C replaced by G.
Protein change: p.Ser521Ter; replaces serine 521 with a stop codon.
Molecular consequence: nonsense.
Genome position (GRCh38, 1-based): chr6:152,471,667, G>C on the plus strand (C>G on the coding strand, the complement: SYNE1 is on the minus strand). VCF-style: chr6-152471667-G-C. GRCh37 (hg19) VCF-style: chr6-152792802-G-C.
Other names: c.1583C>G, p.Ser528Ter (NM_033071.5); short protein forms S521*, S528*.
Identifiers: ClinVar variation 805557 (VCV000805557.1), dbSNP rs1593379577, ClinGen allele CA366133004.